The following is an entry in ClinVar:

NM_203447.4(DOCK8):c.4456C>T (p.Arg1486Cys)

Gene: DOCK8 (dedicator of cytokinesis 8; plus strand). Cytogenetic location: 9p24.3.
Variant type: single nucleotide variant.
Coding change: c.4456C>T on transcript NM_203447.4 (MANE Select); coding-DNA position 4456, C replaced by T.
Protein change: p.Arg1486Cys; replaces arginine 1486 with cysteine.
Molecular consequence: missense variant.
Genome position (GRCh38, 1-based): chr9:428,479, C>T. VCF-style: chr9-428479-C-T. GRCh37 (hg19) VCF-style: chr9-428479-C-T.
Other names: c.4156C>T, p.Arg1386Cys (NM_001190458.2); c.4252C>T, p.Arg1418Cys (NM_001193536.2); short protein forms R1386C, R1418C, R1486C.
Identifiers: ClinVar variation 1058441 (VCV001058441.9), dbSNP rs765335127, ClinGen allele CA4959079.

ClinVar aggregate classification (germline): Uncertain significance. Review status: criteria provided, multiple submitters, no conflicts (2 of 4 stars). 2 submissions from 2 submitters: Uncertain significance (2). Last evaluated 2025-11-25.

Conditions:
Combined immunodeficiency due to DOCK8 deficiency (HIES2). Also called: Hyper-IgE recurrent infection syndrome, autosomal recessive; DOCK8 Deficiency; HYPER-IgE RECURRENT INFECTION SYNDROME 2, AUTOSOMAL RECESSIVE; HYPER-IgE SYNDROME 2, AUTOSOMAL RECESSIVE, WITH RECURRENT INFECTIONS; HIES autosomal recessive. Identifiers: Orphanet 217390, MedGen C4722305, MONDO:0009478, OMIM 243700.

Allele frequency attached by ClinVar (database versions not stated): ExAC 0.00002; gnomAD 0.00003 and 0.00004; gnomAD exomes 0.00003 and 0.00005; TOPMed 0.00005.
gnomAD v4.1: 84 of 1,614,042 alleles (0.0052%); highest among the groups gnomAD compares: African/African-American, 0.0093%; no homozygotes.

Submissions (2):

Labcorp Genetics (formerly Invitae), Labcorp
Classification: Uncertain significance for Combined immunodeficiency due to DOCK8 deficiency. Last evaluated: 2025-11-25. Review status: criteria provided, single submitter. Criteria: Invitae Variant Classification Sherloc (09022015). Collection method: clinical testing. Allele origin: germline.
Comment: This sequence change replaces arginine, which is basic and polar, with cysteine, which is neutral and slightly polar, at codon 1486 of the DOCK8 protein (p.Arg1486Cys). This variant is present in population databases (rs765335127, gnomAD 0.02%). This missense change has been observed in individual(s) with atopic dermatitis (PMID: 37533579). ClinVar contains an entry for this variant (Variation ID: 1058441). Invitae Evidence Modeling of protein sequence and biophysical properties (such as structural, functional, and spatial information, amino acid conservation, physicochemical variation, residue mobility, and thermodynamic stability) indicates that this missense variant is expected to disrupt DOCK8 protein function with a positive predictive value of 80%. In summary, the available evidence is currently insufficient to determine the role of this variant in disease. Therefore, it has been classified as a Variant of Uncertain Significance.

Women's Health and Genetics/Laboratory Corporation of America, LabCorp
Classification: Uncertain significance. Last evaluated: 2024-10-14. Review status: criteria provided, single submitter. Criteria: LabCorp Variant Classification Summary - May 2015. Collection method: clinical testing. Allele origin: germline.
Comment: Variant summary: DOCK8 c.4456C>T (p.Arg1486Cys) results in a non-conservative amino acid change in the encoded protein sequence. Five of five in-silico tools predict a damaging effect of the variant on protein function. The variant allele was found at a frequency of 3.2e-05 in 251434 control chromosomes. The available data on variant occurrences in the general population are insufficient to allow any conclusion about variant significance. c.4456C>T has been reported in the literature in individuals affected with atopic dermatitis. These report(s) do not provide unequivocal conclusions about association of the variant with Severe Combined Immunodeficiency. To our knowledge, no experimental evidence demonstrating an impact on protein function has been reported. The following publication have been ascertained in the context of this evaluation (PMID: 37533579). ClinVar contains an entry for this variant (Variation ID: 1058441). Based on the evidence outlined above, the variant was classified as uncertain significance.

Literature cited by the submitters: PubMed 37533579 (cited by Labcorp Genetics (formerly Invitae), Labcorp and Women's Health and Genetics/Laboratory Corporation of America, LabCorp).